The following is an entry in ClinVar:

NM_000057.4(BLM):c.2789T>G (p.Val930Gly)

Gene: BLM (BLM RecQ like helicase; plus strand). Cytogenetic location: 15q26.1.
Variant type: single nucleotide variant.
Coding change: c.2789T>G on transcript NM_000057.4 (MANE Select); coding-DNA position 2789, T replaced by G.
Protein change: p.Val930Gly; replaces valine 930 with glycine.
Molecular consequence: missense variant.
Genome position (GRCh38, 1-based): chr15:90,785,047, T>G. VCF-style: chr15-90785047-T-G. GRCh37 (hg19) VCF-style: chr15-91328277-T-G.
Other names: c.2789T>G, p.Val930Gly (NM_001287246.2, NM_001287247.2); c.1664T>G, p.Val555Gly (NM_001287248.2); short protein forms V555G, V930G.
Identifiers: ClinVar variation 1055360 (VCV001055360.12), dbSNP rs2151179915, ClinGen allele CA393846118.

ClinVar aggregate classification (germline): Uncertain significance. Review status: criteria provided, multiple submitters, no conflicts (2 of 4 stars). 2 submissions from 2 submitters: Uncertain significance (2). Last evaluated 2025-10-16.

Conditions:
Hereditary cancer-predisposing syndrome. Also called: Hereditary Cancer Syndrome; Tumor predisposition; Hereditary neoplastic syndrome; Neoplastic Syndromes, Hereditary. Identifiers: Orphanet 140162, MedGen C0027672, MeSH D009386, MONDO:0015356.
Bloom syndrome (BLM). Also called: Bloom-Torre-Machacek syndrome. Identifiers: Orphanet 125, MedGen C0005859, MONDO:0008876, OMIM 210900.

Submissions (2):

Ambry Genetics
Classification: Uncertain significance for Hereditary cancer-predisposing syndrome. Last evaluated: 2025-10-16. Review status: criteria provided, single submitter. Criteria: Ambry Variant Classification Scheme 2023. Collection method: clinical testing. Allele origin: germline.
Comment: The p.V930G variant (also known as c.2789T>G), located in coding exon 13 of the BLM gene, results from a T to G substitution at nucleotide position 2789. The valine at codon 930 is replaced by glycine, an amino acid with dissimilar properties. This amino acid position is conserved. In addition, this alteration is predicted to be deleterious by in silico analysis. Since supporting evidence is limited at this time, the clinical significance of this alteration remains unclear.

Labcorp Genetics (formerly Invitae), Labcorp
Classification: Uncertain significance for Bloom syndrome. Last evaluated: 2024-01-16. Review status: criteria provided, single submitter. Criteria: Invitae Variant Classification Sherloc (09022015). Collection method: clinical testing. Allele origin: germline.
Comment: This sequence change replaces valine, which is neutral and non-polar, with glycine, which is neutral and non-polar, at codon 930 of the BLM protein (p.Val930Gly). This variant is not present in population databases (gnomAD no frequency). This variant has not been reported in the literature in individuals affected with BLM-related conditions. ClinVar contains an entry for this variant (Variation ID: 1055360). Advanced modeling of protein sequence and biophysical properties (such as structural, functional, and spatial information, amino acid conservation, physicochemical variation, residue mobility, and thermodynamic stability) performed at Invitae indicates that this missense variant is expected to disrupt BLM protein function with a positive predictive value of 80%. In summary, the available evidence is currently insufficient to determine the role of this variant in disease. Therefore, it has been classified as a Variant of Uncertain Significance.